The following is an entry in ClinVar:

ClinVar aggregate classification (germline): Pathogenic (1 of 4 stars; one submission).

Conditions:
Hereditary cancer-predisposing syndrome. Also called: Neoplastic Syndromes, Hereditary; Tumor predisposition; Hereditary neoplastic syndrome; Hereditary Cancer Syndrome. Identifiers: Orphanet 140162, MedGen C0027672, MeSH D009386, MONDO:0015356.

Submission:

Ambry Genetics
Classification: Pathogenic for Hereditary cancer-predisposing syndrome. Last evaluated: 2019-04-19. Review status: criteria provided, single submitter. Criteria: Ambry Variant Classification Scheme 2023. Collection method: clinical testing. Allele origin: germline.
Comment: The p.Y175* pathogenic mutation (also known as c.525T>G), located in coding exon 5 of the ATM gene, results from a T to G substitution at nucleotide position 525. This changes the amino acid from a tyrosine to a stop codon within coding exon 5. This alteration is expected to result in loss of function by premature protein truncation or nonsense-mediated mRNA decay. As such, this alteration is interpreted as a disease-causing mutation.

NM_000051.4(ATM):c.525T>G (p.Tyr175Ter)

Gene: ATM (ATM serine/threonine kinase; plus strand). Cytogenetic location: 11q22.3.
Variant type: single nucleotide variant.
Coding change: c.525T>G on transcript NM_000051.4 (MANE Select); coding-DNA position 525, T replaced by G.
Protein change: p.Tyr175Ter; replaces tyrosine 175 with a stop codon.
Molecular consequence: nonsense.
Genome position (GRCh38, 1-based): chr11:108,243,981, T>G. VCF-style: chr11-108243981-T-G. GRCh37 (hg19) VCF-style: chr11-108114708-T-G.
Other names: c.525T>G, p.Tyr175Ter (NM_001351834.2); short protein forms Y175*.
Identifiers: ClinVar variation 825594 (VCV000825594.4), dbSNP rs1363186839, ClinGen allele CA382527568.